The following is an entry in ClinVar:

ClinVar aggregate classification (germline): Likely benign (1 of 4 stars; one submission).

gnomAD v4.1: 24,277 of 1,317,902 alleles (1.8%); highest among the groups gnomAD compares: East Asian, 11%; 729 homozygotes.

Submission:

GeneDx
Classification: Likely benign. Last evaluated: 2018-07-09. Review status: criteria provided, single submitter. Criteria: GeneDx Variant Classification Process June 2021. Collection method: clinical testing. Allele origin: germline. Affected: yes.
Comment: See Variant Classification Assertion Criteria.

NM_001367805.3(KIF23):c.2838+60C>T

Gene: KIF23 (kinesin family member 23; plus strand). Cytogenetic location: 15q23.
Variant type: single nucleotide variant.
Coding change: c.2838+60C>T on transcript NM_001367805.3 (MANE Select); 60 bases into the intron after coding-DNA position 2838, C replaced by T.
Molecular consequence: intron variant.
Genome position (GRCh38, 1-based): chr15:69,446,424, C>T. VCF-style: chr15-69446424-C-T. GRCh37 (hg19) VCF-style: chr15-69738763-C-T.
Other names: c.2796+60C>T (NM_138555.4); c.2714+333C>T (NM_001367804.2); c.2484+60C>T (NM_004856.7); c.2214+60C>T (NM_001281301.2).
Identifiers: ClinVar variation 4795405 (VCV004795405.1).
Genomic context (GRCh38, chr15:69,446,424, plus strand): 5'-GGTAGGGGAAAAATTAAATATTTGTCTGCCTACTAAAATTAGGTTTGTCATGTTTTAAAC[C>T]CCACAGCTCTAGATTTTTATGCTCTTTGAAAATGCTGAGGTATAATCTCACATTGCCAGT-3'